The following is an entry in ClinVar:

NM_000214.3(JAG1):c.23G>C (p.Gly8Ala)

Gene: JAG1 (jagged canonical Notch ligand 1; minus strand). Cytogenetic location: 20p12.2.
Variant type: single nucleotide variant.
Coding change: c.23G>C on transcript NM_000214.3 (MANE Select); coding-DNA position 23, G replaced by C.
Protein change: p.Gly8Ala; replaces glycine 8 with alanine.
Molecular consequence: missense variant.
Genome position (GRCh38, 1-based): chr20:10,673,508, C>G on the plus strand (G>C on the coding strand, the complement: JAG1 is on the minus strand). VCF-style: chr20-10673508-C-G. GRCh37 (hg19) VCF-style: chr20-10654156-C-G.
Other names: short protein forms G8A.
Identifiers: ClinVar variation 3573031 (VCV003573031.2).

Conditions:
Arteriohepatic dysplasia. Also called: Alagille Syndrome. Identifiers: Orphanet 52, MedGen C0085280, MeSH D016738, MONDO:0007318.

Submission:

Gilbert/Spinner Lab, Children's Hospital of Philadelphia
No classification provided (evidence only). Condition: Alagille syndrome. Review status: no classification provided. Collection method: research. Allele origin: not applicable. Functional consequence: functionally_abnormal.
ClinVar note: "not provided" was previously submitted as the classification for the variant. However, the classification appeared to be based only on an observation of functional data so it was converted to no classification on 2025-07-30.